The following is an entry in ClinVar:

ClinVar aggregate classification (germline): Uncertain significance (1 of 4 stars; one submission).

Conditions:
Familial adenomatous polyposis 1 (FAP1). Also called: POLYPOSIS, ADENOMATOUS INTESTINAL; FAMILIAL ADENOMATOUS POLYPOSIS 1, ATTENUATED. Identifiers: MedGen C2713442, MONDO:0021056, OMIM 175100. Disease mechanism: loss of function.

Submission:

Labcorp Genetics (formerly Invitae), Labcorp
Classification: Uncertain significance for Familial adenomatous polyposis 1. Last evaluated: 2022-03-02. Review status: criteria provided, single submitter. Criteria: Invitae Variant Classification Sherloc (09022015). Collection method: clinical testing. Allele origin: germline.
Comment: This variant has not been reported in the literature in individuals affected with APC-related conditions. This sequence change replaces glutamine, which is neutral and polar, with arginine, which is basic and polar, at codon 1996 of the APC protein (p.Gln1996Arg). This variant is not present in population databases (gnomAD no frequency). Algorithms developed to predict the effect of missense changes on protein structure and function are either unavailable or do not agree on the potential impact of this missense change (SIFT: "Deleterious"; PolyPhen-2: "Probably Damaging"; Align-GVGD: "Class C0"). In summary, the available evidence is currently insufficient to determine the role of this variant in disease. Therefore, it has been classified as a Variant of Uncertain Significance.

NM_000038.6(APC):c.5987A>G (p.Gln1996Arg)

Gene: APC (APC regulator of Wnt signaling pathway; plus strand). Cytogenetic location: 5q22.2.
Variant type: single nucleotide variant.
Coding change: c.5987A>G on transcript NM_000038.6 (MANE Select); coding-DNA position 5987, A replaced by G.
Protein change: p.Gln1996Arg; replaces glutamine 1996 with arginine.
Molecular consequence: missense variant.
Genome position (GRCh38, 1-based): chr5:112,841,581, A>G. VCF-style: chr5-112841581-A-G. GRCh37 (hg19) VCF-style: chr5-112177278-A-G.
Other names: c.5987A>G, p.Gln1996Arg (NM_001127510.3, NM_001354895.2); c.5933A>G, p.Gln1978Arg (NM_001127511.3); c.6041A>G, p.Gln2014Arg (NM_001354896.2); c.6017A>G, p.Gln2006Arg (NM_001354897.2); c.5912A>G, p.Gln1971Arg (NM_001354898.2); c.5903A>G, p.Gln1968Arg (NM_001354899.2); c.5864A>G, p.Gln1955Arg (NM_001354900.2); c.5810A>G, p.Gln1937Arg (NM_001354901.2); and 5 more; short protein forms Q1905R, Q1971R, Q1996R, Q1870R, Q1955R, Q1937R, Q1968R, Q1713R.
Identifiers: ClinVar variation 1385352 (VCV001385352.6), dbSNP rs587779802, ClinGen allele CA16034437.